The following is an entry in ClinVar:

ClinVar aggregate classification (germline): Uncertain significance (1 of 4 stars; one submission).

Submission:

GeneDx
Classification: Uncertain significance. Last evaluated: 2023-01-11. Review status: criteria provided, single submitter. Criteria: GeneDx Variant Classification Process June 2021. Collection method: clinical testing. Allele origin: germline. Affected: yes.
Comment: Not observed at significant frequency in large population cohorts (gnomAD); In silico analysis supports that this missense variant has a deleterious effect on protein structure/function; Has not been previously published as pathogenic or benign to our knowledge

NM_001134363.3(RBM20):c.2239C>G (p.His747Asp)

Gene: RBM20 (RNA binding motif protein 20; plus strand). Cytogenetic location: 10q25.2.
Variant type: single nucleotide variant.
Coding change: c.2239C>G on transcript NM_001134363.3 (MANE Select); coding-DNA position 2239, C replaced by G.
Protein change: p.His747Asp; replaces histidine 747 with aspartic acid.
Molecular consequence: missense variant.
Genome position (GRCh38, 1-based): chr10:110,812,636, C>G. VCF-style: chr10-110812636-C-G. GRCh37 (hg19) VCF-style: chr10-112572394-C-G.
Other names: short protein forms H747D.
Identifiers: ClinVar variation 2572807 (VCV002572807.1), dbSNP rs535221986, ClinGen allele CA378372928.
Genomic context (GRCh38, chr10:110,812,636, plus strand): 5'-CCAGAAGGAGGGAGGCCCCACCGGGAGAAGTACCCGAGATCTGGGTCTCCCAACCTGCCC[C>G]ACTCTGTGTCCAGCTACAAAAGCCGTGAAGACGGCTACTACCGGAAAGAGCCCAAAGCCA-3'
Protein context (NP_001127835.2, residues 737-757): YPRSGSPNLP[His747Asp]SVSSYKSRED